The following is an entry in ClinVar:

ClinVar aggregate classification (germline): Uncertain significance. Review status: criteria provided, single submitter (1 of 4 stars). 2 submissions from 2 submitters: Uncertain significance (1). 1 of the submissions does not count toward it. Last evaluated 2024-07-15.

Conditions:
SEMA3E-related disorder. Also called: SEMA3E-related condition.
CHARGE syndrome (CHARGE). Also called: Hittner Hirsch Kreh syndrome; CHARGE ASSOCIATION--COLOBOMA, HEART ANOMALY, CHOANAL ATRESIA, RETARDATION, GENITAL AND EAR ANOMALIES; Coloboma, heart anomaly, choanal atresia, retardation, genital and ear anomalies; CHARGE association; Hall-Hittner syndrome. Identifiers: Orphanet 138, MedGen C0265354, MONDO:0008965.

gnomAD v4.1: 25 of 1,612,952 alleles (0.0015%); highest among the groups gnomAD compares: South Asian, 0.02%; no homozygotes.

Submissions (2):

Labcorp Genetics (formerly Invitae), Labcorp
Classification: Uncertain significance for CHARGE syndrome. Last evaluated: 2024-07-15. Review status: criteria provided, single submitter. Criteria: Invitae Variant Classification Sherloc (09022015). Collection method: clinical testing. Allele origin: germline.
Comment: This sequence change replaces arginine, which is basic and polar, with glutamine, which is neutral and polar, at codon 500 of the SEMA3E protein (p.Arg500Gln). This variant is present in population databases (rs752160300, gnomAD 0.02%). This variant has not been reported in the literature in individuals affected with SEMA3E-related conditions. An algorithm developed to predict the effect of missense changes on protein structure and function (PolyPhen-2) suggests that this variant is likely to be disruptive. In summary, the available evidence is currently insufficient to determine the role of this variant in disease. Therefore, it has been classified as a Variant of Uncertain Significance.

PreventionGenetics, part of Exact Sciences
Classification: Uncertain significance for SEMA3E-related condition. Last evaluated: 2024-01-31. Review status: no assertion criteria provided. Collection method: clinical testing. Allele origin: germline. Not counted in ClinVar's aggregate classification.
Comment: The SEMA3E c.1499G>A variant is predicted to result in the amino acid substitution p.Arg500Gln. To our knowledge, this variant has not been reported in the literature. This variant is reported in 0.016% of alleles in individuals of South Asian descent in gnomAD. A different substitution affecting the same amino acid (p.Arg500Trp) has been reported in an individual with pituitary stalk interruption syndrome (Brauner et al. 2020. PubMed ID: 33270637). At this time, the clinical significance of this variant is uncertain due to the absence of conclusive functional and genetic evidence.

NM_012431.3(SEMA3E):c.1499G>A (p.Arg500Gln)

Gene: SEMA3E (semaphorin 3E; minus strand). Cytogenetic location: 7q21.11.
Variant type: single nucleotide variant.
Coding change: c.1499G>A on transcript NM_012431.3 (MANE Select); coding-DNA position 1499, G replaced by A.
Protein change: p.Arg500Gln; replaces arginine 500 with glutamine.
Molecular consequence: missense variant.
Genome position (GRCh38, 1-based): chr7:83,394,298, C>T on the plus strand (G>A on the coding strand, the complement: SEMA3E is on the minus strand). VCF-style: chr7-83394298-C-T. GRCh37 (hg19) VCF-style: chr7-83023614-C-T.
Other names: c.1319G>A, p.Arg440Gln (NM_001178129.2); short protein forms R440Q, R500Q.
Identifiers: ClinVar variation 3357738 (VCV003357738.3).